The following is an entry in ClinVar:

ClinVar aggregate classification (germline): Uncertain significance (1 of 4 stars; one submission).

gnomAD v4.1: 7 of 1,614,098 alleles (0.00043%); highest among the groups gnomAD compares: African/African-American, 0.0013%; no homozygotes.

Submission:

Labcorp Genetics (formerly Invitae), Labcorp
Classification: Uncertain significance. Last evaluated: 2025-11-11. Review status: criteria provided, single submitter. Criteria: Invitae Variant Classification Sherloc (09022015). Collection method: clinical testing. Allele origin: germline.
Comment: This sequence change replaces arginine, which is basic and polar, with glutamine, which is neutral and polar, at codon 50 of the FGF17 protein (p.Arg50Gln). This variant is present in population databases (rs758700089, gnomAD 0.007%). This variant has not been reported in the literature in individuals affected with FGF17-related conditions. An algorithm developed to predict the effect of missense changes on protein structure and function (PolyPhen-2) suggests that this variant is likely to be tolerated. In summary, the available evidence is currently insufficient to determine the role of this variant in disease. Therefore, it has been classified as a Variant of Uncertain Significance.

NM_003867.4(FGF17):c.149G>A (p.Arg50Gln)

Gene: FGF17 (fibroblast growth factor 17; plus strand). Cytogenetic location: 8p21.3.
Variant type: single nucleotide variant.
Coding change: c.149G>A on transcript NM_003867.4 (MANE Select); coding-DNA position 149, G replaced by A.
Protein change: p.Arg50Gln; replaces arginine 50 with glutamine.
Molecular consequence: missense variant.
Genome position (GRCh38, 1-based): chr8:22,046,190, G>A. VCF-style: chr8-22046190-G-A. GRCh37 (hg19) VCF-style: chr8-21903701-G-A.
Other names: c.116G>A, p.Arg39Gln (NM_001304478.1); short protein forms R50Q, R39Q.
Identifiers: ClinVar variation 4775064 (VCV004775064.1).